The following is an entry in ClinVar:

ClinVar aggregate classification (germline): Likely pathogenic (0 of 4 stars; one submission).

Conditions:
NSD1-related disorder. Also called: NSD1-related condition.

Submission:

PreventionGenetics, part of Exact Sciences
Classification: Likely pathogenic for NSD1-related condition. Last evaluated: 2024-08-07. Review status: no assertion criteria provided. Collection method: clinical testing. Allele origin: germline.
Comment: The NSD1 c.3922-1G>A variant is predicted to disrupt the AG splice acceptor site and interfere with normal splicing. To our knowledge, this variant has not been reported in the literature or in a large population database, indicating this variant is rare. Variants that disrupt consensus splice acceptor sites in NSD1 are expected to be pathogenic, and a different nucleotide substitution affecting the same position (c.3922-1G>C) was reported in an individual with features of Sotos syndrome (Stavropoulos et al. 2016. PubMed ID: 28567303). Taken together, the c.3922-1G>A variant is interpreted as likely pathogenic.

NM_022455.5(NSD1):c.3922-1G>A

Gene: NSD1 (nuclear receptor binding SET domain protein 1; plus strand). Cytogenetic location: 5q35.3.
Variant type: single nucleotide variant.
Coding change: c.3922-1G>A on transcript NM_022455.5 (MANE Select); the canonical splice acceptor site of the intron before coding-DNA position 3922, G replaced by A.
Molecular consequence: splice acceptor variant.
Genome position (GRCh38, 1-based): chr5:177,238,236, G>A. VCF-style: chr5-177238236-G-A. GRCh37 (hg19) VCF-style: chr5-176665237-G-A.
Other names: c.3922-1G>A (NM_001409301.1, NM_001409302.1, NM_001409303.1); c.3502-1G>A (NM_001409304.1); c.3169-1G>A (NM_001409305.1); c.3049-1G>A (NM_001409306.1, NM_001409308.1, NM_001409307.1 and 3 more transcripts).
Identifiers: ClinVar variation 3346914 (VCV003346914.1).